The following is an entry in ClinVar:

NM_019066.5(MAGEL2):c.1439G>A (p.Arg480His)

Gene: MAGEL2 (MAGE family member L2; minus strand). Cytogenetic location: 15q11.2.
Variant type: single nucleotide variant.
Coding change: c.1439G>A on transcript NM_019066.5 (MANE Select); coding-DNA position 1439, G replaced by A.
Protein change: p.Arg480His; replaces arginine 480 with histidine.
Molecular consequence: missense variant.
Genome position (GRCh38, 1-based): chr15:23,646,304, C>T on the plus strand (G>A on the coding strand, the complement: MAGEL2 is on the minus strand). VCF-style: chr15-23646304-C-T. GRCh37 (hg19) VCF-style: chr15-23891451-C-T.
Other names: short protein forms R480H.
Identifiers: ClinVar variation 1313045 (VCV001313045.9), dbSNP rs1443482720, ClinGen allele CA391334042.

ClinVar aggregate classification (germline): Uncertain significance. Review status: criteria provided, multiple submitters, no conflicts (2 of 4 stars). 4 submissions from 4 submitters: Uncertain significance (4). Last evaluated 2026-04-16.

Conditions:
Inborn genetic diseases. Identifiers: MedGen C0950123, MeSH D030342.
MAGEL2-related disorder. Also called: MAGEL2-related condition.

Allele frequency attached by ClinVar (database versions not stated): TOPMed 0.00001.
gnomAD v4.1: 2 of 1,370,682 alleles (0.00015%); highest among the groups gnomAD compares: African/African-American, 0.0016%; no homozygotes.

Submissions (4):

PreventionGenetics, part of Exact Sciences
Classification: Uncertain significance for MAGEL2-related condition. Last evaluated: 2026-04-16. Review status: criteria provided, single submitter. Criteria: ACMG Guidelines, 2015. Collection method: clinical testing. Allele origin: germline.
Comment: The MAGEL2 c.1439G>A variant is predicted to result in the amino acid substitution p.Arg480His. To our knowledge, this variant has not been reported in the literature or in a large population database (gnomAD), indicating this variant is rare. At this time, the clinical significance of this variant is uncertain due to the absence of conclusive functional and genetic evidence.

Ambry Genetics
Classification: Uncertain significance for Inborn genetic diseases. Last evaluated: 2025-05-25. Review status: criteria provided, single submitter. Criteria: Ambry Variant Classification Scheme 2023. Collection method: clinical testing. Allele origin: germline.

Labcorp Genetics (formerly Invitae), Labcorp
Classification: Uncertain significance. Last evaluated: 2024-10-21. Review status: criteria provided, single submitter. Criteria: Invitae Variant Classification Sherloc (09022015). Collection method: clinical testing. Allele origin: germline.
Comment: This sequence change replaces arginine, which is basic and polar, with histidine, which is basic and polar, at codon 480 of the MAGEL2 protein (p.Arg480His). This variant is not present in population databases (gnomAD no frequency). This variant has not been reported in the literature in individuals affected with MAGEL2-related conditions. ClinVar contains an entry for this variant (Variation ID: 1313045). Experimental studies and prediction algorithms are not available or were not evaluated, and the functional significance of this variant is currently unknown. In summary, the available evidence is currently insufficient to determine the role of this variant in disease. Therefore, it has been classified as a Variant of Uncertain Significance.

GeneDx
Classification: Uncertain significance. Last evaluated: 2022-07-25. Review status: criteria provided, single submitter. Criteria: GeneDx Variant Classification Process June 2021. Collection method: clinical testing. Allele origin: germline. Affected: yes.
Comment: Not observed in large population cohorts (gnomAD); In silico analysis supports that this missense variant does not alter protein structure/function; Has not been previously published as pathogenic or benign to our knowledge